The following is an entry in ClinVar:

NM_032273.4(TMEM126A):c.293G>C (p.Cys98Ser)

Gene: TMEM126A (transmembrane protein 126A; plus strand). Cytogenetic location: 11q14.1.
Variant type: single nucleotide variant.
Coding change: c.293G>C on transcript NM_032273.4 (MANE Select); coding-DNA position 293, G replaced by C.
Protein change: p.Cys98Ser; replaces cysteine 98 with serine.
Molecular consequence: missense variant.
Genome position (GRCh38, 1-based): chr11:85,655,606, G>C. VCF-style: chr11-85655606-G-C. GRCh37 (hg19) VCF-style: chr11-85366650-G-C.
Other names: c.83G>C, p.Cys28Ser (NM_001244735.2); c.293G>C (NM_032273.3); short protein forms C28S, C98S.
Identifiers: ClinVar variation 1961049 (VCV001961049.6), dbSNP rs1355524574, ClinGen allele CA381996692.

ClinVar aggregate classification (germline): Uncertain significance. Review status: criteria provided, multiple submitters, no conflicts (2 of 4 stars). 2 submissions from 2 submitters: Uncertain significance (2). Last evaluated 2025-04-08.

Allele frequency attached by ClinVar (database versions not stated): gnomAD exomes below 0.00001; TOPMed below 0.00001; gnomAD 0.00001.
gnomAD v4.1: 5 of 1,613,124 alleles (0.00031%); highest among the groups gnomAD compares: Non-Finnish European, 0.00042%; no homozygotes.

Submissions (2):

Ambry Genetics
Classification: Uncertain significance. Last evaluated: 2025-04-08. Review status: criteria provided, single submitter. Criteria: Ambry Variant Classification Scheme 2023. Collection method: clinical testing. Allele origin: germline.

Labcorp Genetics (formerly Invitae), Labcorp
Classification: Uncertain significance. Last evaluated: 2024-10-24. Review status: criteria provided, single submitter. Criteria: Invitae Variant Classification Sherloc (09022015). Collection method: clinical testing. Allele origin: germline.
Comment: This sequence change replaces cysteine, which is neutral and slightly polar, with serine, which is neutral and polar, at codon 98 of the TMEM126A protein (p.Cys98Ser). This variant is not present in population databases (gnomAD no frequency). This variant has not been reported in the literature in individuals affected with TMEM126A-related conditions. ClinVar contains an entry for this variant (Variation ID: 1961049). An algorithm developed to predict the effect of missense changes on protein structure and function (PolyPhen-2) suggests that this variant is likely to be disruptive. In summary, the available evidence is currently insufficient to determine the role of this variant in disease. Therefore, it has been classified as a Variant of Uncertain Significance.